The following is an entry in ClinVar:

ClinVar aggregate classification (germline): Pathogenic. Review status: criteria provided, multiple submitters, no conflicts (2 of 4 stars). 3 submissions from 3 submitters: Pathogenic (3). Last evaluated 2024-07-23.

Allele frequency attached by ClinVar (database versions not stated): ExAC 0.00001; gnomAD 0.00001; gnomAD exomes 0.00001; TOPMed 0.00001.
gnomAD v4.1: 20 of 1,610,074 alleles (0.0012%); highest among the groups gnomAD compares: South Asian, 0.0044%; no homozygotes.

Submissions (3):

Labcorp Genetics (formerly Invitae), Labcorp
Classification: Pathogenic. Last evaluated: 2024-07-23. Review status: criteria provided, single submitter. Criteria: Invitae Variant Classification Sherloc (09022015). Collection method: clinical testing. Allele origin: germline.
Comment: This sequence change creates a premature translational stop signal (p.Arg473*) in the PLOD2 gene. It is expected to result in an absent or disrupted protein product. Loss-of-function variants in PLOD2 are known to be pathogenic (PMID: 22689593, 25238597, 29178448). This variant is present in population databases (rs750664256, gnomAD 0.003%). This variant has not been reported in the literature in individuals affected with PLOD2-related conditions. ClinVar contains an entry for this variant (Variation ID: 632404). For these reasons, this variant has been classified as Pathogenic.

GeneDx
Classification: Pathogenic. Last evaluated: 2019-06-10. Review status: criteria provided, single submitter. Criteria: GeneDx Variant Classification Process June 2021. Collection method: clinical testing. Allele origin: germline. Affected: yes.
Comment: Nonsense variant predicted to result in protein truncation or nonsense mediated decay in a gene for which loss-of-function is a known mechanism of disease; Not observed at a significant frequency in large population cohorts (Lek et al., 2016); Has not been previously published as pathogenic or benign to our knowledge

CeGaT Center for Human Genetics Tuebingen
Classification: Pathogenic. Last evaluated: 2018-07-01. Review status: criteria provided, single submitter. Criteria: CeGaT Center For Human Genetics Tuebingen Variant Classification Criteria Version 2. Collection method: clinical testing. Allele origin: germline. Affected: yes. Observed: 3 variant alleles.

Literature cited by the submitters: PubMed 22689593 (cited by Labcorp Genetics (formerly Invitae), Labcorp); PubMed 25238597 (cited by Labcorp Genetics (formerly Invitae), Labcorp); PubMed 29178448 (cited by Labcorp Genetics (formerly Invitae), Labcorp).

NM_182943.3(PLOD2):c.1417C>T (p.Arg473Ter)

Gene: PLOD2 (procollagen-lysine,2-oxoglutarate 5-dioxygenase 2; minus strand). Cytogenetic location: 3q24.
Variant type: single nucleotide variant.
Coding change: c.1417C>T on transcript NM_182943.3 (MANE Select); coding-DNA position 1417, C replaced by T.
Protein change: p.Arg473Ter; replaces arginine 473 with a stop codon.
Molecular consequence: nonsense.
Genome position (GRCh38, 1-based): chr3:146,079,199, G>A on the plus strand (C>T on the coding strand, the complement: PLOD2 is on the minus strand). VCF-style: chr3-146079199-G-A. GRCh37 (hg19) VCF-style: chr3-145796986-G-A.
Other names: c.1417C>T, p.Arg473Ter (NM_000935.3); short protein forms R473*.
Identifiers: ClinVar variation 632404 (VCV000632404.50), dbSNP rs750664256, ClinGen allele CA2654902.